The following is an entry in ClinVar:

NM_152564.5(VPS13B):c.2800T>C (p.Tyr934His)

Gene: VPS13B (vacuolar protein sorting 13 homolog B; plus strand). Cytogenetic location: 8q22.2.
Variant type: single nucleotide variant.
Coding change: c.2800T>C on transcript NM_152564.5 (MANE Select); coding-DNA position 2800, T replaced by C.
Protein change: p.Tyr934His; replaces tyrosine 934 with histidine.
Molecular consequence: missense variant.
Genome position (GRCh38, 1-based): chr8:99,275,230, T>C. VCF-style: chr8-99275230-T-C. GRCh37 (hg19) VCF-style: chr8-100287458-T-C.
Other names: c.2800T>C, p.Tyr934His (NM_017890.5); c.2800T>C (NM_152564.4); short protein forms Y934H.
Identifiers: ClinVar variation 1522661 (VCV001522661.4), dbSNP rs1679704470, ClinGen allele CA371862824.

ClinVar aggregate classification (germline): Uncertain significance. Review status: criteria provided, single submitter (1 of 4 stars). 2 submissions from 2 submitters: Uncertain significance (1). 1 of the submissions does not count toward it. Last evaluated 2021-11-02.

Conditions:
Cohen syndrome (COH1). Also called: PEPPER SYNDROME; Cutis verticis gyrata, retinitis pigmentosa, and sensorineural deafness. Identifiers: Orphanet 193, MedGen C0265223, MONDO:0008999, OMIM 216550.
VPS13B-related disorder. Also called: VPS13B-related condition.

Allele frequency attached by ClinVar (database versions not stated): gnomAD exomes below 0.00001.
gnomAD v4.1: 3 of 1,611,046 alleles (0.00019%); highest among the groups gnomAD compares: Non-Finnish European, 0.00017%; no homozygotes.

Submissions (2):

Labcorp Genetics (formerly Invitae), Labcorp
Classification: Uncertain significance for Cohen syndrome. Last evaluated: 2021-11-02. Review status: criteria provided, single submitter. Criteria: Invitae Variant Classification Sherloc (09022015). Collection method: clinical testing. Allele origin: germline.
Comment: This sequence change replaces tyrosine, which is neutral and polar, with histidine, which is basic and polar, at codon 934 of the VPS13B protein (p.Tyr934His). This variant is not present in population databases (gnomAD no frequency). This variant has not been reported in the literature in individuals affected with VPS13B-related conditions. Algorithms developed to predict the effect of missense changes on protein structure and function output the following: SIFT: "Not Available"; PolyPhen-2: "Benign"; Align-GVGD: "Not Available". The histidine amino acid residue is found in multiple mammalian species, which suggests that this missense change does not adversely affect protein function. In summary, the available evidence is currently insufficient to determine the role of this variant in disease. Therefore, it has been classified as a Variant of Uncertain Significance.

PreventionGenetics, part of Exact Sciences
Classification: Uncertain significance for VPS13B-related condition. Last evaluated: 2024-03-26. Review status: no assertion criteria provided. Collection method: clinical testing. Allele origin: germline. Not counted in ClinVar's aggregate classification.
Comment: The VPS13B c.2800T>C variant is predicted to result in the amino acid substitution p.Tyr934His. To our knowledge, this variant has not been reported in the literature or in a large population database, indicating this variant is rare. At this time, the clinical significance of this variant is uncertain due to the absence of conclusive functional and genetic evidence.